The following is an entry in ClinVar:

ClinVar aggregate classification (germline): Conflicting classifications of pathogenicity. Review status: criteria provided, conflicting classifications (1 of 4 stars). 3 submissions from 3 submitters: Uncertain significance (2); Likely benign (1). Last evaluated 2026-01-26.

Conditions:
Inborn genetic diseases. Identifiers: MedGen C0950123, MeSH D030342.
Kleefstra syndrome 1 (KLEFS1). Identifiers: Orphanet 261494, MedGen C0795833, MONDO:0027407, OMIM 610253.

Allele frequency attached by ClinVar (database versions not stated): gnomAD 0.00002; TOPMed 0.00002.
gnomAD v4.1: 10 of 1,607,438 alleles (0.00062%); highest among the groups gnomAD compares: Non-Finnish European, 0.00085%; no homozygotes.

Submissions (3):

Labcorp Genetics (formerly Invitae), Labcorp
Classification: Likely benign for Kleefstra syndrome 1. Last evaluated: 2026-01-26. Review status: criteria provided, single submitter. Criteria: Invitae Variant Classification Sherloc (09022015). Collection method: clinical testing. Allele origin: germline.

Revvity Omics, Revvity
Classification: Uncertain significance for Kleefstra syndrome 1. Last evaluated: 2021-01-19. Review status: criteria provided, single submitter. Criteria: ACMG Guidelines, 2015. Collection method: clinical testing. Allele origin: germline.

Ambry Genetics
Classification: Uncertain significance for Inborn genetic diseases. Last evaluated: 2017-04-19. Review status: criteria provided, single submitter. Criteria: Ambry Variant Classification Scheme 2023. Collection method: clinical testing. Allele origin: germline.
Comment: The p.L155V variant (also known as c.463C>G), located in coding exon 3 of the EHMT1 gene, results from a C to G substitution at nucleotide position 463. The leucine at codon 155 is replaced by valine, an amino acid with highly similar properties. This amino acid position is highly conserved in available vertebrate species. In addition, this alteration is predicted to be tolerated by in silico analysis. Since supporting evidence is limited at this time, the clinical significance of this alteration remains unclear.

NM_024757.5(EHMT1):c.463C>G (p.Leu155Val)

Gene: EHMT1 (euchromatic histone lysine methyltransferase 1; plus strand). Cytogenetic location: 9q34.3.
Variant type: single nucleotide variant.
Coding change: c.463C>G on transcript NM_024757.5 (MANE Select); coding-DNA position 463, C replaced by G.
Protein change: p.Leu155Val; replaces leucine 155 with valine.
Molecular consequence: missense variant.
Genome position (GRCh38, 1-based): chr9:137,717,003, C>G. VCF-style: chr9-137717003-C-G. GRCh37 (hg19) VCF-style: chr9-140611455-C-G.
Other names: c.463C>G, p.Leu155Val (NM_001145527.2, NM_001354263.2, NM_001354611.2); c.370C>G, p.Leu124Val (NM_001354259.2, NM_001354612.2); short protein forms L155V, L124V.
Identifiers: ClinVar variation 587773 (VCV000587773.17), dbSNP rs1003872402, ClinGen allele CA201802264.
Genomic context (GRCh38, chr9:137,717,003, plus strand): 5'-CAGCCCTTGAGGACTACCAGCACTCTGGCCTCTTCGCTGCCTGGCCATGCTGCAAAAACC[C>G]TTCCTGGAGGGGCTGGCAAAGGCAGGACTCCAAGCGCTTTTCCCCAGACGCCAGCCGCCC-3'
Protein context (NP_079033.4, residues 145-165): SSLPGHAAKT[Leu155Val]PGGAGKGRTP